The following is an entry in ClinVar:

ClinVar aggregate classification (germline): Uncertain significance (1 of 4 stars; one submission).

Conditions:
Multiple acyl-CoA dehydrogenase deficiency (MADD). Also called: Glutaric aciduria, type 2; ETHYLMALONIC-ADIPICACIDURIA; GA II; Glutaric Acidemia type 2; Glutaric acidemia type II; GA 2. Identifiers: Orphanet 26791, MedGen C0268596, MONDO:0009282, OMIM 231680.

Allele frequency attached by ClinVar (database versions not stated): gnomAD exomes below 0.00001; ExAC 0.00001.
gnomAD v4.1: 4 of 1,603,196 alleles (0.00025%); highest among the groups gnomAD compares: Admixed American, 0.005%; no homozygotes.

Submission:

Labcorp Genetics (formerly Invitae), Labcorp
Classification: Uncertain significance for Multiple acyl-CoA dehydrogenase deficiency. Last evaluated: 2022-06-08. Review status: criteria provided, single submitter. Criteria: Invitae Variant Classification Sherloc (09022015). Collection method: clinical testing. Allele origin: germline.
Comment: This sequence change replaces isoleucine, which is neutral and non-polar, with leucine, which is neutral and non-polar, at codon 280 of the ETFA protein (p.Ile280Leu). This variant is present in population databases (rs766977206, gnomAD 0.006%). This variant has not been reported in the literature in individuals affected with ETFA-related conditions. Algorithms developed to predict the effect of missense changes on protein structure and function are either unavailable or do not agree on the potential impact of this missense change (SIFT: "Deleterious"; PolyPhen-2: "Probably Damaging"; Align-GVGD: "Class C0"). In summary, the available evidence is currently insufficient to determine the role of this variant in disease. Therefore, it has been classified as a Variant of Uncertain Significance.

NM_000126.4(ETFA):c.838A>C (p.Ile280Leu)

Gene: ETFA (electron transfer flavoprotein subunit alpha; minus strand). Cytogenetic location: 15q24.2.
Variant type: single nucleotide variant.
Coding change: c.838A>C on transcript NM_000126.4 (MANE Select); coding-DNA position 838, A replaced by C.
Protein change: p.Ile280Leu; replaces isoleucine 280 with leucine.
Molecular consequence: missense variant.
Genome position (GRCh38, 1-based): chr15:76,231,377, T>G on the plus strand (A>C on the coding strand, the complement: ETFA is on the minus strand). VCF-style: chr15-76231377-T-G. GRCh37 (hg19) VCF-style: chr15-76523718-T-G.
Other names: c.691A>C, p.Ile231Leu (NM_001127716.2); short protein forms I231L, I280L.
Identifiers: ClinVar variation 2428239 (VCV002428239.4), dbSNP rs766977206, ClinGen allele CA7673590.